The following is an entry in ClinVar:

ClinVar aggregate classification (germline): Uncertain significance (1 of 4 stars; one submission).

Submission:

Laboratorio de Genetica e Diagnostico Molecular, Hospital Israelita Albert Einstein
Classification: Uncertain significance. Last evaluated: 2021-10-14. Review status: criteria provided, single submitter. Criteria: ACMG Guidelines, 2015. Collection method: clinical testing. Allele origin: germline. Affected: yes.
Comment: ACMG classification criteria: PM2, PP2

NM_001958.5(EEF1A2):c.1097C>T (p.Ala366Val)

Gene: EEF1A2 (eukaryotic translation elongation factor 1 alpha 2; minus strand). Cytogenetic location: 20q13.33.
Variant type: single nucleotide variant.
Coding change: c.1097C>T on transcript NM_001958.5 (MANE Select); coding-DNA position 1097, C replaced by T.
Protein change: p.Ala366Val; replaces alanine 366 with valine.
Molecular consequence: missense variant.
Genome position (GRCh38, 1-based): chr20:63,489,085, G>A on the plus strand (C>T on the coding strand, the complement: EEF1A2 is on the minus strand). VCF-style: chr20-63489085-G-A. GRCh37 (hg19) VCF-style: chr20-62120438-G-A.
Other names: short protein forms A366V.
Identifiers: ClinVar variation 1690470 (VCV001690470.2), dbSNP rs2145938834, ClinGen allele CA409644852.